The following is an entry in ClinVar:

NM_004568.6(SERPINB6):c.232G>A (p.Glu78Lys)

Gene: SERPINB6 (serpin family B member 6; minus strand). Cytogenetic location: 6p25.2.
Variant type: single nucleotide variant.
Coding change: c.232G>A on transcript NM_004568.6 (MANE Select); coding-DNA position 232, G replaced by A.
Protein change: p.Glu78Lys; replaces glutamic acid 78 with lysine.
Molecular consequence: missense variant. On other transcripts: non-coding transcript variant (1).
Genome position (GRCh38, 1-based): chr6:2,955,604, C>T on the plus strand (G>A on the coding strand, the complement: SERPINB6 is on the minus strand). VCF-style: chr6-2955604-C-T. GRCh37 (hg19) VCF-style: chr6-2955838-C-T.
Other names: c.244G>A, p.Glu82Lys (NM_001195291.3, NM_001374515.1); c.274G>A, p.Glu92Lys (NM_001271822.2); c.289G>A, p.Glu97Lys (NM_001271823.2); c.232G>A, p.Glu78Lys (NM_001271824.2, NM_001271825.2, NM_001297699.2 and 2 more transcripts); c.100G>A, p.Glu34Lys (NM_001374517.1); short protein forms E34K, E82K, E92K, E78K, E97K.
Identifiers: ClinVar variation 1417023 (VCV001417023.6), dbSNP rs751225761, ClinGen allele CA3617611.

ClinVar aggregate classification (germline): Uncertain significance (1 of 4 stars; one submission).

Allele frequency attached by ClinVar (database versions not stated): ExAC 0.00002; gnomAD exomes 0.00001.
gnomAD v4.1: 21 of 1,614,072 alleles (0.0013%); highest among the groups gnomAD compares: African/African-American, 0.008%; no homozygotes.

Submission:

Labcorp Genetics (formerly Invitae), Labcorp
Classification: Uncertain significance. Last evaluated: 2023-08-04. Review status: criteria provided, single submitter. Criteria: Invitae Variant Classification Sherloc (09022015). Collection method: clinical testing. Allele origin: germline.
Comment: This sequence change replaces glutamic acid, which is acidic and polar, with lysine, which is basic and polar, at codon 78 of the SERPINB6 protein (p.Glu78Lys). This variant is present in population databases (rs751225761, gnomAD 0.003%). This variant has not been reported in the literature in individuals affected with SERPINB6-related conditions. ClinVar contains an entry for this variant (Variation ID: 1417023). Advanced modeling of protein sequence and biophysical properties (such as structural, functional, and spatial information, amino acid conservation, physicochemical variation, residue mobility, and thermodynamic stability) performed at Invitae indicates that this missense variant is not expected to disrupt SERPINB6 protein function. In summary, the available evidence is currently insufficient to determine the role of this variant in disease. Therefore, it has been classified as a Variant of Uncertain Significance.